The following is an entry in ClinVar:

NM_000377.3(WAS):c.470_471del (p.Arg157fs)

Gene: WAS (WASP actin nucleation promoting factor; plus strand). Cytogenetic location: Xp11.23.
Variant type: Deletion.
Coding change: c.470_471del on transcript NM_000377.3 (MANE Select); coding-DNA positions 470 to 471, 2 bases deleted (GC; older notation c.470_471delGC).
Protein change: p.Arg157fs; shifts the reading frame from arginine 157.
Molecular consequence: frameshift variant.
Genome position (GRCh38, 1-based): chrX:48,685,952-48,685,953, GC deleted; deleting any 2 consecutive bases within chrX:48,685,951-48,685,953 gives the same sequence; the c. name uses the placement nearest the transcript's 3' end. VCF-style (leftmost placement, unchanged base first): chrX-48685950-ACG-A. GRCh37 (hg19) VCF-style: chrX-48544339-ACG-A.
Other names: short protein forms R157fs.
Identifiers: ClinVar variation 643344 (VCV000643344.8), dbSNP rs1602177562, ClinGen allele CA915951082.

ClinVar aggregate classification (germline): Pathogenic (1 of 4 stars; one submission).

Conditions:
Wiskott-Aldrich syndrome (WAS). Also called: ALDRICH SYNDROME; IMMUNODEFICIENCY 2; Wiskott-aldrich syndrome, somatic; WISKOTT-ALDRICH SYNDROME 1. Identifiers: Orphanet 906, MedGen C0043194, MONDO:0010518, OMIM 301000.
X-linked severe congenital neutropenia (SCNX). Identifiers: Orphanet 86788, MedGen C1845987, MONDO:0010294, OMIM 300299.
Thrombocytopenia 1. Also called: THROMBOCYTOPENIA, X-LINKED, 1; X-linked thrombocytopenia with normal platelets; X-Linked Thrombocytopenia (XLT). Identifiers: Orphanet 268322, Orphanet 852, MedGen C1839163, MONDO:0010743, OMIM 313900.

Submission:

Labcorp Genetics (formerly Invitae), Labcorp
Classification: Pathogenic for Wiskott-Aldrich syndrome; X-linked severe congenital neutropenia; Thrombocytopenia 1. Last evaluated: 2022-07-19. Review status: criteria provided, single submitter. Criteria: Invitae Variant Classification Sherloc (09022015). Collection method: clinical testing. Allele origin: germline.
Comment: For these reasons, this variant has been classified as Pathogenic. ClinVar contains an entry for this variant (Variation ID: 643344). This variant has not been reported in the literature in individuals affected with WAS-related conditions. This variant is not present in population databases (gnomAD no frequency). This sequence change creates a premature translational stop signal (p.Arg157Profs*11) in the WAS gene. It is expected to result in an absent or disrupted protein product. Loss-of-function variants in WAS are known to be pathogenic (PMID: 15284122).

Literature cited by the submitters: PubMed 15284122.